The following is an entry in ClinVar:

ClinVar aggregate classification (germline): Pathogenic/Likely pathogenic. Review status: criteria provided, multiple submitters, no conflicts (2 of 4 stars). 3 submissions from 3 submitters: Pathogenic (1); Likely pathogenic (2). Last evaluated 2024-08-23.

Conditions:
Marfan syndrome (MFS). Also called: MARFAN SYNDROME, TYPE I; FBN1-Related Marfan Syndrome; Marfan syndrome type 1; Marfan's syndrome; Marfan syndrome, classic. Identifiers: Orphanet 284963, Orphanet 558, MedGen C0024796, MONDO:0007947, OMIM 154700.
Familial thoracic aortic aneurysm and aortic dissection (TAAD). Also called: Thoracic aortic aneurysms and dissections. Identifiers: Orphanet 91387, MedGen C4707243, MONDO:0019625.
FBN1-related disorder. Also called: FBN1-related disorders.

Submissions (3):

Blueprint Genetics
Classification: Likely pathogenic for FBN1-related disorders. Last evaluated: 2024-08-23. Review status: criteria provided, single submitter. Criteria: ACMG Guidelines, 2015. Collection method: clinical testing. Allele origin: germline. Affected: yes. Observed: 1 variant allele.

Labcorp Genetics (formerly Invitae), Labcorp
Classification: Pathogenic for Marfan syndrome; Familial thoracic aortic aneurysm and aortic dissection. Last evaluated: 2022-01-05. Review status: criteria provided, single submitter. Criteria: Invitae Variant Classification Sherloc (09022015). Collection method: clinical testing. Allele origin: germline.
Comment: For these reasons, this variant has been classified as Pathogenic. This variant has not been reported in the literature in individuals affected with FBN1-related conditions. This variant is not present in population databases (gnomAD no frequency). This sequence change creates a premature translational stop signal (p.Tyr2004*) in the FBN1 gene. It is expected to result in an absent or disrupted protein product. Loss-of-function variants in FBN1 are known to be pathogenic (PMID: 17657824, 19293843).

3billion
Classification: Likely pathogenic for Marfan syndrome. Review status: criteria provided, single submitter. Criteria: ACMG Guidelines, 2015. Collection method: clinical testing. Allele origin: unknown. Affected: yes. Observed: 1 heterozygote.
Comment: The variant is not observed in the gnomAD v2.1.1 dataset. The variant is predicted to result in a loss or disruption of normal protein function through nonsense-mediated decay (NMD) or protein truncation. Multiple pathogenic variants are reported downstream of the variant. Therefore, this variant is classified as Likely pathogenic according to the recommendation of ACMG/AMP guideline.

Literature cited by the submitters: PubMed 17657824 (cited by Labcorp Genetics (formerly Invitae), Labcorp); PubMed 19293843 (cited by Labcorp Genetics (formerly Invitae), Labcorp).

NM_000138.5(FBN1):c.6012_6013del (p.Tyr2004_Ser2005delinsTer)

Gene: FBN1 (fibrillin 1; minus strand). Cytogenetic location: 15q21.1.
Variant type: Deletion.
Coding change: c.6012_6013del on transcript NM_000138.5 (MANE Select); coding-DNA positions 6012 to 6013, 2 bases deleted (CA; older notation c.6012_6013delCA).
Protein change: p.Tyr2004_Ser2005delinsTer.
Molecular consequence: nonsense. On other transcripts: frameshift variant (1).
Genome position (GRCh38, 1-based): chr15:48,444,565-48,444,566, TG deleted on the plus strand (CA on the coding strand, the reverse complement: FBN1 is on the minus strand); deleting any 2 consecutive bases within chr15:48,444,565-48,444,567 gives the same sequence; the c. name uses the placement nearest the transcript's 3' end. VCF-style (leftmost placement, unchanged base first): chr15-48444564-CTG-C. GRCh37 (hg19) VCF-style: chr15-48736761-CTG-C.
Other names: c.6011_6012delAC, p.Tyr2004Terfs (NM_001406716.1).
Identifiers: ClinVar variation 2415220 (VCV002415220.8), dbSNP rs2505451851, ClinGen allele CA2580089672.